The following is an entry in ClinVar:

ClinVar aggregate classification (germline): Likely benign (1 of 4 stars; one submission).

Allele frequency attached by ClinVar (database versions not stated): TOPMed 0.00018; 1000 Genomes Project 30x 0.00021; 1000 Genomes Project 0.00026.
gnomAD v4.1: 33 of 1,191,841 alleles (0.0028%); highest among the groups gnomAD compares: African/African-American, 0.012%; no homozygotes.

Submissions (2):

CeGaT Center for Human Genetics Tuebingen
Classification: Likely benign. Last evaluated: 2022-11-01. Review status: criteria provided, single submitter. Criteria: CeGaT Center For Human Genetics Tuebingen Variant Classification Criteria Version 2. Collection method: clinical testing. Allele origin: germline. Affected: yes. Observed: 1 variant allele.
Comment: IKBKG: BP4, BP7, BS2

Dr. Peter K. Rogan Lab, Western University
No classification provided (evidence only). Condition: Thyroid cancer, nonmedullary, 1. Review status: no classification provided. Collection method: in vitro. Allele origin: not applicable. Functional consequence: retained intron. Not counted in ClinVar's aggregate classification.

NM_001099857.5(IKBKG):c.84C>T (p.Gly28=)

Gene: IKBKG (inhibitor of nuclear factor kappa B kinase regulatory subunit gamma; plus strand). Cytogenetic location: Xq28.
Variant type: single nucleotide variant.
Coding change: c.84C>T on transcript NM_001099857.5 (MANE Select); coding-DNA position 84, C replaced by T.
Protein change: p.Gly28=; no amino-acid change (glycine 28 retained).
Molecular consequence: synonymous variant. On other transcripts: non-coding transcript variant (1).
Genome position (GRCh38, 1-based): chrX:154,552,086, C>T. VCF-style: chrX-154552086-C-T. GRCh37 (hg19) VCF-style: chrX-153780301-C-T.
Other names: NC_000023.10:g.153780301C>T; c.288C>T, p.Gly96= (NM_001099856.6); c.84C>T, p.Gly28= (NM_001145255.4, NM_001321396.3, NM_001321397.3 and 5 more transcripts).
Identifiers: ClinVar variation 2661853 (VCV002661853.25), dbSNP rs782455868, ClinGen allele CA337295824.